The following is an entry in ClinVar:

ClinVar aggregate classification (germline): Uncertain significance. Review status: criteria provided, multiple submitters, no conflicts (2 of 4 stars). 2 submissions from 2 submitters: Uncertain significance (2). Last evaluated 2025-12-29.

Conditions:
Hereditary cancer-predisposing syndrome. Also called: Hereditary Cancer Syndrome; Neoplastic Syndromes, Hereditary; Tumor predisposition; Hereditary neoplastic syndrome. Identifiers: Orphanet 140162, MedGen C0027672, MeSH D009386, MONDO:0015356.

gnomAD v4.1: 4 of 1,613,922 alleles (0.00025%); highest among the groups gnomAD compares: South Asian, 0.0044%; no homozygotes.

Submissions (2):

Ambry Genetics
Classification: Uncertain significance for Hereditary cancer-predisposing syndrome. Last evaluated: 2025-12-29. Review status: criteria provided, single submitter. Criteria: Ambry Variant Classification Scheme 2023. Collection method: clinical testing. Allele origin: germline.
Comment: The p.K178T variant (also known as c.533A>C), located in coding exon 4 of the CTNNA1 gene, results from an A to C substitution at nucleotide position 533. The lysine at codon 178 is replaced by threonine, an amino acid with similar properties. This amino acid position is highly conserved in available vertebrate species. In addition, the in silico prediction for this alteration is inconclusive. Based on the available evidence, the clinical significance of this variant remains unclear.

Labcorp Genetics (formerly Invitae), Labcorp
Classification: Uncertain significance. Last evaluated: 2024-03-16. Review status: criteria provided, single submitter. Criteria: Invitae Variant Classification Sherloc (09022015). Collection method: clinical testing. Allele origin: germline.
Comment: This sequence change replaces lysine, which is basic and polar, with threonine, which is neutral and polar, at codon 178 of the CTNNA1 protein (p.Lys178Thr). This variant is present in population databases (no rsID available, gnomAD 0.003%). This variant has not been reported in the literature in individuals affected with CTNNA1-related conditions. Advanced modeling of protein sequence and biophysical properties (such as structural, functional, and spatial information, amino acid conservation, physicochemical variation, residue mobility, and thermodynamic stability) performed at Invitae indicates that this missense variant is not expected to disrupt CTNNA1 protein function with a negative predictive value of 80%. In summary, the available evidence is currently insufficient to determine the role of this variant in disease. Therefore, it has been classified as a Variant of Uncertain Significance.

NM_001903.5(CTNNA1):c.533A>C (p.Lys178Thr)

Gene: CTNNA1 (catenin alpha 1; plus strand). Cytogenetic location: 5q31.2.
Variant type: single nucleotide variant.
Coding change: c.533A>C on transcript NM_001903.5 (MANE Select); coding-DNA position 533, A replaced by C.
Protein change: p.Lys178Thr; replaces lysine 178 with threonine.
Molecular consequence: missense variant.
Genome position (GRCh38, 1-based): chr5:138,812,247, A>C. VCF-style: chr5-138812247-A-C. GRCh37 (hg19) VCF-style: chr5-138147936-A-C.
Other names: c.533A>C, p.Lys178Thr (NM_001290307.3, NM_001323982.2, NM_001323983.1 and 3 more transcripts); c.224A>C, p.Lys75Thr (NM_001290309.3); c.164A>C, p.Lys55Thr (NM_001290310.3); c.533A>C (NM_001903.2); short protein forms K55T, K75T, K178T.
Identifiers: ClinVar variation 3712089 (VCV003712089.3).